The following is an entry in ClinVar:

ClinVar aggregate classification (germline): Uncertain significance (1 of 4 stars; one submission).

Conditions:
Cardiovascular phenotype. Identifiers: MedGen CN230736.

gnomAD v4.1: 3 of 1,575,104 alleles (0.00019%); highest among the groups gnomAD compares: Non-Finnish European, 0.00026%; no homozygotes.

Submission:

Ambry Genetics
Classification: Uncertain significance for Cardiovascular phenotype. Last evaluated: 2026-03-21. Review status: criteria provided, single submitter. Criteria: Ambry Variant Classification Scheme 2023. Collection method: clinical testing. Allele origin: germline.
Comment: The p.G417S variant (also known as c.1249G>A), located in coding exon 2 of the TNXB gene, results from a G to A substitution at nucleotide position 1249. The glycine at codon 417 is replaced by serine, an amino acid with similar properties. This amino acid position is conserved. In addition, this alteration is predicted to be tolerated by in silico analysis. Based on the available evidence, the clinical significance of this variant remains unclear.

NM_001365276.2(TNXB):c.1249G>A (p.Gly417Ser)

Gene: TNXB (tenascin XB; minus strand). Cytogenetic location: 6p21.33.
Variant type: single nucleotide variant.
Coding change: c.1249G>A on transcript NM_001365276.2 (MANE Select); coding-DNA position 1249, G replaced by A.
Protein change: p.Gly417Ser; replaces glycine 417 with serine.
Molecular consequence: missense variant.
Genome position (GRCh38, 1-based): chr6:32,096,604, C>T on the plus strand (G>A on the coding strand, the complement: TNXB is on the minus strand). VCF-style: chr6-32096604-C-T. GRCh37 (hg19) VCF-style: chr6-32064381-C-T.
Other names: c.1249G>A, p.Gly417Ser (NM_001428335.1, NM_019105.8); short protein forms G417S.
Identifiers: ClinVar variation 4865803 (VCV004865803.1).